The following is an entry in ClinVar:

ClinVar aggregate classification (germline): Uncertain significance. Review status: criteria provided, multiple submitters, no conflicts (2 of 4 stars). 4 submissions from 4 submitters: Uncertain significance (4). Last evaluated 2024-11-13.

Conditions:
Cardiomyopathy (CMYO). Also called: Cardiomyopathies. Identifiers: Orphanet 167848, MedGen C0878544, MONDO:0004994, HP:0001638. Inheritance: Various modes of inheritance.
Arrhythmogenic cardiomyopathy with wooly hair and keratoderma. Also called: PALMOPLANTAR KERATODERMA WITH LEFT VENTRICULAR CARDIOMYOPATHY AND WOOLLY HAIR; Dilated cardiomyopathy with woolly hair and keratoderma; Carvajal syndrome; Arrhythmogenic cardiomyopathy with woolly hair and keratoderma. Identifiers: Orphanet 65282, MedGen C1854063, MONDO:0011581, OMIM 605676.
Cardiovascular phenotype. Identifiers: MedGen CN230736.

Allele frequency attached by ClinVar (database versions not stated): gnomAD exomes below 0.00001.

Submissions (4):

GeneDx
Classification: Uncertain significance. Last evaluated: 2024-11-13. Review status: criteria provided, single submitter. Criteria: GeneDx Variant Classification Process June 2021. Collection method: clinical testing. Allele origin: germline. Affected: yes.
Comment: The c.1 A>G variant in the DSP gene has not been published previously, to our knowledge. As this variant changes the translation initiator Methionine codon, the resultant protein is described as p.Met1? using a question mark to signify that it is not known if the loss of Met1 means that all protein translation is completely prevented or if an abnormal protein is produced using an alternate Methionine. Although no translation initiator variants have been reported in the DSP gene, many loss-of-function variants are known to be pathogenic in this gene associated with arrhythmogenic right ventricular cardiomyopathy (Stenson et al., 2014). Based on the ACMG recommendations, c.1 A>G is interpreted as a pathogenic variant.

All of Us Research Program, National Institutes of Health
Classification: Uncertain significance for Arrhythmogenic cardiomyopathy with wooly hair and keratoderma. Last evaluated: 2023-11-02. Review status: criteria provided, single submitter. Criteria: ACMG Guidelines, 2015. Collection method: clinical testing. Allele origin: germline. Inheritance: Autosomal dominant inheritance. Observed: 1 variant allele, 1 heterozygote.
Comment: This variant results in the loss of the translation initiation codon methionine (p.Met1?) of the DSP protein. To our knowledge, functional studies have not been reported for this variant. This variant has been reported in 4 individuals from a population-based cohort who had not been previously diagnosed with arrhythmogenic cardiomyopathy (PMID: 33684294). This variant has been identified in 2/233270 chromosomes in the general population by the Genome Aggregation Database (gnomAD). While loss of DSP function is a known mechanism of disease, one cannot rule out the possibility that a downstream in-frame methionine is used for alternate translation initiation and results in the production of truncated but functional DSP protein. The available evidence is insufficient to determine the role of this variant in disease conclusively. Therefore, this variant is classified as a Variant of Uncertain Significance.

This study involves interpretation of variants in research participants for the purpose of population health screening. Participant phenotype was not available at the time of variant classification. Additional details can be found in publication PMID: 35346344, PMCID: PMC8962531

Color Diagnostics, LLC DBA Color Health
Classification: Uncertain significance for Cardiomyopathy. Last evaluated: 2023-10-19. Review status: criteria provided, single submitter. Criteria: ACMG Guidelines, 2015. Collection method: clinical testing. Allele origin: germline.
Comment: This variant results in the loss of the translation initiation codon methionine (p.Met1?) of the DSP protein. To our knowledge, functional studies have not been reported for this variant. This variant has been reported in 4 individuals from a population-based cohort who had not been previously diagnosed with arrhythmogenic cardiomyopathy (PMID: 33684294). This variant has been identified in 2/233270 chromosomes in the general population by the Genome Aggregation Database (gnomAD). While loss of DSP function is a known mechanism of disease, one cannot rule out the possibility that a downstream in-frame methionine is used for alternate translation initiation and results in the production of truncated but functional DSP protein. The available evidence is insufficient to determine the role of this variant in disease conclusively. Therefore, this variant is classified as a Variant of Uncertain Significance.

Ambry Genetics
Classification: Uncertain significance for Cardiovascular phenotype. Last evaluated: 2022-11-23. Review status: criteria provided, single submitter. Criteria: Ambry Variant Classification Scheme 2023. Collection method: clinical testing. Allele origin: germline.
Comment: The p.M1? variant (also known as c.1A>G) is located in coding exon 1 of the DSP gene and results from a A to G substitution at nucleotide position 1. This alters the methionine residue at the initiation codon (ATG). This variant has been detected in individuals from a cohort not selected for the presence of cardiovascular disease; however, clinical details were limited (Carruth ED et al. Circ Genom Precis Med. 2019 11;12(11):e002579). Variations that modify the initiation codon (ATG) are expected to result in either loss of translation initiation, N-terminal truncation, or cause a shift in the mRNA reading frame; however, there is an in-frame methionine 16 amino acids from the initiation site, which may result in N-terminal truncation of unknown functional significance. Since supporting evidence is limited at this time, the clinical significance of this alteration remains unclear.

Literature cited by the submitters: PubMed 33684294 (cited by All of Us Research Program, National Institutes of Health and Color Diagnostics, LLC DBA Color Health); PubMed 31638835 (cited by Ambry Genetics).

NM_004415.4(DSP):c.1A>G (p.Met1Val)

Genes: DSP-AS1 (DSP antisense RNA 1; minus strand), DSP (desmoplakin; plus strand). Cytogenetic location: 6p24.3.
Variant type: single nucleotide variant.
Coding change: c.1A>G on transcript NM_004415.4 (MANE Select); coding-DNA position 1, A replaced by G.
Protein change: p.Met1Val; changes the start codon (methionine 1).
Molecular consequence: missense variant, initiator codon variant.
Genome position (GRCh38, 1-based): chr6:7,541,916, A>G. VCF-style: chr6-7541916-A-G. GRCh37 (hg19) VCF-style: chr6-7542149-A-G.
Other names: c.1A>G (LRG_423t1); c.1A>G, p.Met1Val (NM_001008844.3, NM_001319034.2); short protein forms M1V.
Identifiers: ClinVar variation 429736 (VCV000429736.11), dbSNP rs1131691557, ClinGen allele CA362675401.